The following is an entry in ClinVar:

ClinVar aggregate classification (germline): Benign (1 of 4 stars; one submission).

Conditions:
NOS2-related disorder. Also called: NOS2-related condition.

gnomAD v4.1: 49,965 of 1,613,798 alleles (3.1%); highest among the groups gnomAD compares: African/African-American, 19%; 1,993 homozygotes.

Submission:

PreventionGenetics, part of Exact Sciences
Classification: Benign for NOS2-related condition. Last evaluated: 2025-04-02. Review status: criteria provided, single submitter. Criteria: ACMG Guidelines, 2015. Collection method: clinical testing. Allele origin: germline.
Comment: This variant is classified as benign based on ACMG/AMP sequence variant interpretation guidelines (Richards et al. 2015 PMID: 25741868, with internal and published modifications).

NM_000625.4(NOS2):c.204A>G (p.Pro68=)

Gene: NOS2 (nitric oxide synthase 2; minus strand). Cytogenetic location: 17q11.2.
Variant type: single nucleotide variant.
Coding change: c.204A>G on transcript NM_000625.4 (MANE Select); coding-DNA position 204, A replaced by G.
Protein change: p.Pro68=; no amino-acid change (proline 68 retained).
Molecular consequence: synonymous variant.
Genome position (GRCh38, 1-based): chr17:27,788,923, T>C on the plus strand (A>G on the coding strand, the complement: NOS2 is on the minus strand). VCF-style: chr17-27788923-T-C. GRCh37 (hg19) VCF-style: chr17-26115949-T-C.
Identifiers: ClinVar variation 4983912 (VCV004983912.1).